The following is an entry in ClinVar:

NM_001378120.1(MBD5):c.3772G>T (p.Ala1258Ser)

Gene: MBD5 (methyl-CpG binding domain protein 5; plus strand). Cytogenetic location: 2q23.1.
Variant type: single nucleotide variant.
Coding change: c.3772G>T on transcript NM_001378120.1 (MANE Select); coding-DNA position 3772, G replaced by T.
Protein change: p.Ala1258Ser; replaces alanine 1258 with serine.
Molecular consequence: missense variant.
Genome position (GRCh38, 1-based): chr2:148,489,404, G>T. VCF-style: chr2-148489404-G-T. GRCh37 (hg19) VCF-style: chr2-149246973-G-T.
Other names: c.3073G>T, p.Ala1025Ser (NM_018328.5); short protein forms A1025S, A1258S.
Identifiers: ClinVar variation 536669 (VCV000536669.9), dbSNP rs1553520432, ClinGen allele CA348724897.

ClinVar aggregate classification (germline): Uncertain significance (1 of 4 stars; one submission).

Conditions:
Intellectual developmental disorder, autosomal dominant 1. Also called: Intellectual disability, autosomal dominant 1; MBD5 Haploinsufficiency. Identifiers: Orphanet 228402, MedGen C1969562, MONDO:0007974, OMIM 156200.

Submission:

Labcorp Genetics (formerly Invitae), Labcorp
Classification: Uncertain significance for Intellectual developmental disorder, autosomal dominant 1. Last evaluated: 2017-12-24. Review status: criteria provided, single submitter. Criteria: Invitae Variant Classification Sherloc (09022015). Collection method: clinical testing. Allele origin: germline.
Comment: In summary, the available evidence is currently insufficient to determine the role of this variant in disease. Therefore, it has been classified as a Variant of Uncertain Significance. This variant has not been reported in the literature in individuals with MBD5-related disease. This variant is not present in population databases (ExAC no frequency). This sequence change replaces alanine with serine at codon 1025 of the MBD5 protein (p.Ala1025Ser). The alanine residue is highly conserved and there is a moderate physicochemical difference between alanine and serine.